The following is an entry in ClinVar:

ClinVar aggregate classification (germline): Uncertain significance (1 of 4 stars; one submission).

Submission:

GeneDx
Classification: Uncertain significance. Last evaluated: 2025-02-27. Review status: criteria provided, single submitter. Criteria: GeneDx Variant Classification Process June 2021. Collection method: clinical testing. Allele origin: germline. Affected: yes.
Comment: Not observed at significant frequency in large population cohorts (gnomAD); In silico analysis supports that this missense variant has a deleterious effect on protein structure/function; Has not been previously published as pathogenic or benign to our knowledge

NM_001375524.1(TRRAP):c.9534C>G (p.Cys3178Trp)

Gene: TRRAP (transformation/transcription domain associated protein; plus strand). Cytogenetic location: 7q22.1.
Variant type: single nucleotide variant.
Coding change: c.9534C>G on transcript NM_001375524.1 (MANE Select); coding-DNA position 9534, C replaced by G.
Protein change: p.Cys3178Trp; replaces cysteine 3178 with tryptophan.
Molecular consequence: missense variant.
Genome position (GRCh38, 1-based): chr7:98,988,909, C>G. VCF-style: chr7-98988909-C-G. GRCh37 (hg19) VCF-style: chr7-98586532-C-G.
Other names: c.9546C>G, p.Cys3182Trp (NM_001244580.2); c.9459C>G, p.Cys3153Trp (NM_003496.4); short protein forms C3153W, C3178W, C3182W.
Identifiers: ClinVar variation 4077357 (VCV004077357.1).